The following is an entry in ClinVar:

ClinVar aggregate classification (germline): Uncertain significance (1 of 4 stars; one submission).

Conditions:
Leber congenital amaurosis 1 (LCA1). Also called: Congenital absence of the rods and cones; Leber's congenital tapetoretinal degeneration; Leber's congenital tapetoretinal dysplasia; RETINAL BLINDNESS, CONGENITAL; AMAUROSIS CONGENITA OF LEBER I. Identifiers: Orphanet 65, MedGen C2931258, MONDO:0008764, OMIM 204000.
Cone-rod dystrophy 6 (CORD6). Also called: RETINAL CONE DYSTROPHY 2; Cone dystrophy progressive. Identifiers: Orphanet 1872, MedGen C1866293, MONDO:0011143, OMIM 601777.

gnomAD v4.1: 1 of 1,593,148 alleles (0.000063%); highest among the groups gnomAD compares: Non-Finnish European, 0.000085%; no homozygotes.

Submission:

Labcorp Genetics (formerly Invitae), Labcorp
Classification: Uncertain significance for Leber congenital amaurosis 1; Cone-rod dystrophy 6. Last evaluated: 2022-02-22. Review status: criteria provided, single submitter. Criteria: Invitae Variant Classification Sherloc (09022015). Collection method: clinical testing. Allele origin: germline.
Comment: In summary, the available evidence is currently insufficient to determine the role of this variant in disease. Therefore, it has been classified as a Variant of Uncertain Significance. Algorithms developed to predict the effect of missense changes on protein structure and function are either unavailable or do not agree on the potential impact of this missense change (SIFT: "Deleterious"; PolyPhen-2: "Benign"; Align-GVGD: "Class C0"). This variant has not been reported in the literature in individuals affected with GUCY2D-related conditions. This variant is not present in population databases (gnomAD no frequency). This sequence change replaces alanine, which is neutral and non-polar, with valine, which is neutral and non-polar, at codon 197 of the GUCY2D protein (p.Ala197Val).

NM_000180.4(GUCY2D):c.590C>T (p.Ala197Val)

Gene: GUCY2D (guanylate cyclase 2D, retinal; plus strand). Cytogenetic location: 17p13.1.
Variant type: single nucleotide variant.
Coding change: c.590C>T on transcript NM_000180.4 (MANE Select); coding-DNA position 590, C replaced by T.
Protein change: p.Ala197Val; replaces alanine 197 with valine.
Molecular consequence: missense variant.
Genome position (GRCh38, 1-based): chr17:8,003,637, C>T. VCF-style: chr17-8003637-C-T. GRCh37 (hg19) VCF-style: chr17-7906955-C-T.
Other names: short protein forms A197V.
Identifiers: ClinVar variation 2189771 (VCV002189771.4), dbSNP rs2545418214, ClinGen allele CA397944379.